The following is an entry in ClinVar:

ClinVar aggregate classification (germline): Conflicting classifications of pathogenicity. Review status: criteria provided, conflicting classifications (1 of 4 stars). 2 submissions from 2 submitters: Likely pathogenic (1); Uncertain significance (1). Last evaluated 2026-01-13.

Conditions:
Dilated cardiomyopathy 1G (CMD1G). Identifiers: Orphanet 154, MedGen C1858763, MONDO:0011400, OMIM 604145.
Autosomal recessive limb-girdle muscular dystrophy type 2J (LGMDR10). Also called: Limb-girdle muscular dystrophy, type 2J; MUSCULAR DYSTROPHY, LIMB-GIRDLE, AUTOSOMAL RECESSIVE 10. Identifiers: Orphanet 140922, MedGen C1837342, MONDO:0012127, OMIM 608807.

Submissions (2):

Labcorp Genetics (formerly Invitae), Labcorp
Classification: Likely pathogenic for Dilated cardiomyopathy 1G; Autosomal recessive limb-girdle muscular dystrophy type 2J. Last evaluated: 2026-01-13. Review status: criteria provided, single submitter. Criteria: Invitae Variant Classification Sherloc (09022015). Collection method: clinical testing. Allele origin: germline.
Comment: This sequence change creates a premature translational stop signal (p.Val3129Serfs*25) in the TTN gene. While this is not anticipated to result in nonsense mediated decay, it is expected to create a truncated TTN protein. This variant is not present in population databases (gnomAD no frequency). This variant has not been reported in the literature in individuals affected with TTN-related conditions. ClinVar contains an entry for this variant (Variation ID: 166300). This variant is located in the I band of TTN (PMID: 25589632). Truncating variants in this region have been reported in individuals affected with autosomal recessive centronuclear myopathy (PMID: 23975875, internal data). Truncating variants in this region have also been identified in individuals affected with autosomal dominant dilated cardiomyopathy and/or cardio-related conditions (PMID: 27869827, 32964742, internal data). In summary, the currently available evidence indicates that the variant is pathogenic, but additional data are needed to prove that conclusively. Therefore, this variant has been classified as Likely Pathogenic.

Laboratory for Molecular Medicine, Mass General Brigham Personalized Medicine
Classification: Uncertain significance. Last evaluated: 2014-07-24. Review status: criteria provided, single submitter. Criteria: LMM Criteria. Collection method: clinical testing. Allele origin: germline. Observed: 1 variant allele.
Comment: Variant classified as Uncertain Significance - Favor Pathogenic. The Val3129fs v ariant in TTN has not been reported in individuals with cardiomyopathy or in lar ge population studies. This variant is predicted to cause a frameshift, which al ters the protein?s amino acid sequence beginning at position 3129 and lead to a premature termination codon 25 amino acids downstream. This alteration is then p redicted to lead to a truncated or absent protein. Frameshift and other truncati ng variants in TTN are strongly associated with DCM, particularly if they are lo cated in the exons encoding for the A-band region of the protein (Herman 2012, P ugh 2014). The effect of heterozygous variants affecting the I-band, where this variant is located is somewhat controversial. In summary, while there is some su spicion for a pathogenic role, the clinical significance of the Val3129fs varian t is uncertain.

Literature cited by the submitters: PubMed 25589632 (cited by Labcorp Genetics (formerly Invitae), Labcorp); PubMed 23975875 (cited by Labcorp Genetics (formerly Invitae), Labcorp); PubMed 27869827 (cited by Labcorp Genetics (formerly Invitae), Labcorp); PubMed 32964742 (cited by Labcorp Genetics (formerly Invitae), Labcorp).

NM_001267550.2(TTN):c.9384dup (p.Val3129fs)

Gene: TTN (titin; minus strand). Cytogenetic location: 2q31.2.
Variant type: Duplication.
Coding change: c.9384dup on transcript NM_001267550.2 (MANE Select); coding-DNA position 9384, one base duplicated (A; older notation c.9384dupA).
Protein change: p.Val3129fs; shifts the reading frame from valine 3129.
Molecular consequence: frameshift variant.
Genome position (GRCh38, 1-based): chr2:178,767,846, T duplicated on the plus strand (A on the coding strand, the reverse complement: TTN is on the minus strand). VCF-style (leftmost placement, unchanged base first): chr2-178767845-C-CT. GRCh37 (hg19) VCF-style: chr2-179632572-C-CT.
Other names: NM_133378.4:c.9384dupA; p.Val3129SerfsX25; c.9384dup, p.Val3129fs (NM_001256850.1, NM_133378.4, NM_133379.5); c.9246dup, p.Val3083fs (NM_003319.4, NM_133432.3, NM_133437.4); c.9384_9385insA (NM_133378.4); short protein forms V3129fs, V3083fs.
Identifiers: ClinVar variation 166300 (VCV000166300.7), dbSNP rs727503683, ClinGen allele CA179233.